The following is an entry in ClinVar:

ClinVar aggregate classification (germline): Uncertain significance (1 of 4 stars; one submission).

Conditions:
Immunodeficiency, common variable, 4. Also called: ANTIBODY DEFICIENCY DUE TO BAFFR DEFECT. Identifiers: Orphanet 1572, Orphanet 696925, MedGen C3150739, MONDO:0013284, OMIM 613494.

Allele frequency attached by ClinVar (database versions not stated): gnomAD exomes below 0.00001; TOPMed 0.00001.
gnomAD v4.1: 4 of 1,612,900 alleles (0.00025%); highest among the groups gnomAD compares: Non-Finnish European, 0.00034%; no homozygotes.

Submission:

Labcorp Genetics (formerly Invitae), Labcorp
Classification: Uncertain significance for Immunodeficiency, common variable, 4. Last evaluated: 2022-06-20. Review status: criteria provided, single submitter. Criteria: Invitae Variant Classification Sherloc (09022015). Collection method: clinical testing. Allele origin: germline.
Comment: Algorithms developed to predict the effect of missense changes on protein structure and function (SIFT, PolyPhen-2, Align-GVGD) all suggest that this variant is likely to be disruptive. This variant has not been reported in the literature in individuals affected with TNFRSF13C-related conditions. This variant is present in population databases (no rsID available, gnomAD 0.0009%). This sequence change replaces aspartic acid, which is acidic and polar, with valine, which is neutral and non-polar, at codon 151 of the TNFRSF13C protein (p.Asp151Val). In summary, the available evidence is currently insufficient to determine the role of this variant in disease. Therefore, it has been classified as a Variant of Uncertain Significance.

NM_052945.4(TNFRSF13C):c.452A>T (p.Asp151Val)

Gene: TNFRSF13C (TNF receptor superfamily member 13C; minus strand). Cytogenetic location: 22q13.2.
Variant type: single nucleotide variant.
Coding change: c.452A>T on transcript NM_052945.4 (MANE Select); coding-DNA position 452, A replaced by T.
Protein change: p.Asp151Val; replaces aspartic acid 151 with valine.
Molecular consequence: missense variant.
Genome position (GRCh38, 1-based): chr22:41,925,470, T>A on the plus strand (A>T on the coding strand, the complement: TNFRSF13C is on the minus strand). VCF-style: chr22-41925470-T-A. GRCh37 (hg19) VCF-style: chr22-42321474-T-A.
Other names: short protein forms D151V.
Identifiers: ClinVar variation 1490092 (VCV001490092.8), dbSNP rs942451212, ClinGen allele CA324633314.
Genomic context (GRCh38, chr22:41,925,470, plus strand): 5'-GTGGAGCCCAGCTCTGTGGCTGGCACAGGGACACTGTGGCCAGGTGGGGTGGTTCCTGGG[T>A]CTTCCCCAGGAGGAGGCCAGGCAGGAGCTGTGGCATCAGAGATTCCCGGAGACAGAATGA-3'
Protein context (NP_443177.1, residues 141-161): TAPAWPPPGE[Asp151Val]PGTTPPGHSV